The following is an entry in ClinVar:

NM_198576.4(AGRN):c.261C>T (p.Asp87=)

Genes: AGRN (agrin; plus strand), LOC126805576 (P300/CBP strongly-dependent group 1 enhancer GRCh37_chr1:956772-957971; plus strand). Cytogenetic location: 1p36.33.
Variant type: single nucleotide variant.
Coding change: c.261C>T on transcript NM_198576.4 (MANE Select); coding-DNA position 261, C replaced by T.
Protein change: p.Asp87=; no amino-acid change (aspartic acid 87 retained).
Molecular consequence: synonymous variant.
Genome position (GRCh38, 1-based): chr1:1,022,260, C>T. VCF-style: chr1-1022260-C-T. GRCh37 (hg19) VCF-style: chr1-957640-C-T.
Other names: p.Asp87=; c.261C>T (LRG_198t1); c.261C>T, p.Asp87= (NM_001305275.2).
Identifiers: ClinVar variation 128296 (VCV000128296.20), dbSNP rs6657048, ClinGen allele CA151623.
Genomic context (GRCh38, chr1:1,022,260, plus strand): 5'-GGTTCGGGTCTGGCGGTACTTGAAGGGCAAAGACCTGGTGGCCCGGGAGAGCCTGCTGGA[C>T]GGCGGCAACAAGGTGGTGATCAGCGGCTTTGGAGACCCCCTCATCTGTGACAACCAGGTG-3'
Protein context (NP_940978.2, residues 77-97): KDLVARESLL[Asp87=]GGNKVVISGF

ClinVar aggregate classification (germline): Benign. Review status: criteria provided, multiple submitters, no conflicts (2 of 4 stars). 7 submissions from 7 submitters: Benign (6). 1 of the submissions does not count toward it. Last evaluated 2026-02-03.

Conditions:
Congenital myasthenic syndrome 8. Also called: Myasthenic syndrome, congenital, 8, with pre- and postsynaptic defects; MYASTHENIC SYNDROME, CONGENITAL, DUE TO AGRIN DEFICIENCY. Identifiers: Orphanet 590, MedGen C3808739, MONDO:0014052, OMIM 615120.

Allele frequency attached by ClinVar (database versions not stated): gnomAD exomes 0.01476 and 0.01813; ESP Exome Variant Server 0.03175; 1000 Genomes Project 0.03275; ExAC 0.02016; 1000 Genomes Project 30x 0.03389; gnomAD 0.02895 and 0.02966; TOPMed 0.03067.
gnomAD v4.1: 26,063 of 1,613,184 alleles (1.6%); highest among the groups gnomAD compares: African/African-American, 7%; 425 homozygotes.

Submissions (7):

Labcorp Genetics (formerly Invitae), Labcorp
Classification: Benign for Congenital myasthenic syndrome 8. Last evaluated: 2026-02-03. Review status: criteria provided, single submitter. Criteria: Invitae Variant Classification Sherloc (09022015). Collection method: clinical testing. Allele origin: germline.

Mayo Clinic Laboratories, Mayo Clinic
Classification: Benign. Last evaluated: 2023-07-12. Review status: criteria provided, single submitter. Criteria: ACMG Guidelines, 2015. Collection method: clinical testing. Allele origin: germline. Observed: 19 variant alleles.
Comment: BS1, BS2, BP4, BP7

Athena Diagnostics
Classification: Benign. Last evaluated: 2020-09-21. Review status: criteria provided, single submitter. Criteria: Athena Diagnostics criteria. Collection method: clinical testing. Allele origin: unknown.

GeneDx
Classification: Benign. Last evaluated: 2017-07-03. Review status: criteria provided, single submitter. Criteria: GeneDx Variant Classification (06012015). Collection method: clinical testing. Allele origin: germline. Affected: yes.
Comment: This variant is considered likely benign or benign based on one or more of the following criteria: it is a conservative change, it occurs at a poorly conserved position in the protein, it is predicted to be benign by multiple in silico algorithms, and/or has population frequency not consistent with disease.

Breakthrough Genomics
Classification: Benign. Review status: criteria provided, single submitter. Criteria: ACMG Guidelines, 2015. Collection method: not provided. Allele origin: germline. Inheritance: Autosomal recessive inheritance. Affected: yes.

PreventionGenetics, part of Exact Sciences
Classification: Benign. Review status: criteria provided, single submitter. Criteria: ACMG Guidelines, 2015. Collection method: clinical testing. Allele origin: germline.

Genetic Services Laboratory, University of Chicago
Classification: Likely benign for AllHighlyPenetrant. Review status: no assertion criteria provided. Collection method: clinical testing. Allele origin: germline. Inheritance: Autosomal recessive inheritance. Not counted in ClinVar's aggregate classification.
Comment: Likely benign based on allele frequency in 1000 Genomes Project or ESP global frequency and its presence in a patient with a rare or unrelated disease phenotype. NOT Sanger confirmed.